The following is an entry in ClinVar:

NM_001037.5(SCN1B):c.448+379G>T

Gene: SCN1B (sodium voltage-gated channel beta subunit 1; plus strand). Cytogenetic location: 19q13.11.
Variant type: single nucleotide variant.
Coding change: c.448+379G>T on transcript NM_001037.5 (MANE Select); 379 bases into the intron after coding-DNA position 448, G replaced by T.
Molecular consequence: intron variant. On other transcripts: 3 prime UTR variant (1).
Genome position (GRCh38, 1-based): chr19:35,034,118, G>T. VCF-style: chr19-35034118-G-T. GRCh37 (hg19) VCF-style: chr19-35525022-G-T.
Other names: c.*20G>T (NM_199037.5); c.349+379G>T (NM_001321605.2).
Identifiers: ClinVar variation 509795 (VCV000509795.1), dbSNP rs1555720853, ClinGen allele CA658799179.

ClinVar aggregate classification (germline): Likely benign (1 of 4 stars; one submission).

Submission:

GeneDx
Classification: Likely benign. Last evaluated: 2017-05-26. Review status: criteria provided, single submitter. Criteria: GeneDx Variant Classification (06012015). Collection method: clinical testing. Allele origin: germline. Affected: yes.
Comment: This variant is considered likely benign or benign based on one or more of the following criteria: it is a conservative change, it occurs at a poorly conserved position in the protein, it is predicted to be benign by multiple in silico algorithms, and/or has population frequency not consistent with disease.